The following is an entry in ClinVar:

NM_001909.5(CTSD):c.8C>A (p.Pro3His)

Genes: CTSD (cathepsin D; minus strand), LOC130005119 (ATAC-STARR-seq lymphoblastoid silent region 3058; plus strand). Cytogenetic location: 11p15.5.
Variant type: single nucleotide variant.
Coding change: c.8C>A on transcript NM_001909.5 (MANE Select); coding-DNA position 8, C replaced by A.
Protein change: p.Pro3His; replaces proline 3 with histidine.
Molecular consequence: missense variant.
Genome position (GRCh38, 1-based): chr11:1,763,852, G>T on the plus strand (C>A on the coding strand, the complement: CTSD is on the minus strand). VCF-style: chr11-1763852-G-T. GRCh37 (hg19) VCF-style: chr11-1785082-G-T.
Other names: short protein forms P3H.
Identifiers: ClinVar variation 1931043 (VCV001931043.2), dbSNP rs757712173, ClinGen allele CA216183711.
Genomic context (GRCh38, chr11:1,763,852, plus strand): 5'-CTGACGAGCGCGGAGGCGGGTGCAGCCAGCAGGCAGAGGGCGAGCGGCAGAAGGCTGGAG[G>T]GCTGCATGGCGGCGGCGGCCGGGTCGGAGAGGGTCGCCGAGGCCGTGCGCTTATAGCCGG-3'
Protein context (NP_001900.1, residues 1-13): MQ[Pro3His]SSLLPLALCL

ClinVar aggregate classification (germline): Uncertain significance (1 of 4 stars; one submission).

Conditions:
Neuronal ceroid lipofuscinosis. Also called: Neuronal Ceroid Lipofuscinoses. Identifiers: Orphanet 216, Orphanet 79263, MedGen C0027877, MONDO:0016295. Disease mechanism: loss of function.

gnomAD v4.1: 1 of 1,524,822 alleles (0.000066%); highest among the groups gnomAD compares: Admixed American, 0.002%; no homozygotes.

Submission:

Labcorp Genetics (formerly Invitae), Labcorp
Classification: Uncertain significance for Neuronal ceroid lipofuscinosis. Last evaluated: 2022-07-30. Review status: criteria provided, single submitter. Criteria: Invitae Variant Classification Sherloc (09022015). Collection method: clinical testing. Allele origin: germline.
Comment: This sequence change replaces proline, which is neutral and non-polar, with histidine, which is basic and polar, at codon 3 of the CTSD protein (p.Pro3His). The frequency data for this variant in the population databases is considered unreliable, as metrics indicate poor data quality at this position in the gnomAD database. This variant has not been reported in the literature in individuals affected with CTSD-related conditions. Algorithms developed to predict the effect of missense changes on protein structure and function are either unavailable or do not agree on the potential impact of this missense change (SIFT: "Tolerated"; PolyPhen-2: "Not Available"; Align-GVGD: "Class C0"). In summary, the available evidence is currently insufficient to determine the role of this variant in disease. Therefore, it has been classified as a Variant of Uncertain Significance.